The following is an entry in ClinVar:

ClinVar aggregate classification (germline): Pathogenic (1 of 4 stars; one submission).

Submission:

GeneDx
Classification: Pathogenic. Last evaluated: 2013-12-03. Review status: criteria provided, single submitter. Criteria: GeneDx Variant Classification (06012015). Collection method: clinical testing. Allele origin: germline. Affected: yes.
Comment: The c.2948delT mutation in the JAG1 gene creates a premature Stop codon at position 983, denoted p.Leu983Stop (L983X). Although this mutation has not been previously reported to our knowledge, its presence is consistent with a diagnosis of Alagille syndrome .The c.2948delT mutation in the JAG1 gene creates a premature Stop codon at position 983, denoted p.Leu983Stop (L983X). This variant was found in JAG1

NM_000214.3(JAG1):c.2948del (p.Glu982_Leu983insTer)

Gene: JAG1 (jagged canonical Notch ligand 1; minus strand). Cytogenetic location: 20p12.2.
Variant type: Deletion.
Coding change: c.2948del on transcript NM_000214.3 (MANE Select); coding-DNA position 2948, one base deleted (T; older notation c.2948delT).
Protein change: p.Glu982_Leu983insTer.
Molecular consequence: nonsense.
Genome position (GRCh38, 1-based): chr20:10,641,213, A deleted on the plus strand (T on the coding strand, the reverse complement: JAG1 is on the minus strand); the first of 2 consecutive A bases (chr20:10,641,213-10,641,214); deleting either gives the same sequence. VCF-style (leftmost placement, unchanged base first): chr20-10641212-CA-C. GRCh37 (hg19) VCF-style: chr20-10621860-CA-C.
Other names: c.2948del, p.Glu982_Leu983insTer (LRG_1191t1).
Identifiers: ClinVar variation 213562 (VCV000213562.1), dbSNP rs863223675, ClinGen allele CA320429.